The following is an entry in ClinVar:

ClinVar aggregate classification (germline): Likely pathogenic (1 of 4 stars; one submission).

Conditions:
Nephronophthisis 9 (NPHP9). Identifiers: Orphanet 655, MedGen C3151188, MONDO:0013444, OMIM 613824.

Submission:

Labcorp Genetics (formerly Invitae), Labcorp
Classification: Likely pathogenic for Nephronophthisis 9. Last evaluated: 2022-06-27. Review status: criteria provided, single submitter. Criteria: Invitae Variant Classification Sherloc (09022015). Collection method: clinical testing. Allele origin: germline.
Comment: Algorithms developed to predict the effect of sequence changes on RNA splicing suggest that this variant may disrupt the consensus splice site. In summary, the currently available evidence indicates that the variant is pathogenic, but additional data are needed to prove that conclusively. Therefore, this variant has been classified as Likely Pathogenic. ClinVar contains an entry for this variant (Variation ID: 539141). This variant has not been reported in the literature in individuals affected with NEK8-related conditions. This variant is not present in population databases (gnomAD no frequency). This sequence change affects a splice site in intron 6 of the NEK8 gene. It is expected to disrupt RNA splicing. Variants that disrupt the donor or acceptor splice site typically lead to a loss of protein function (PMID: 16199547), and loss-of-function variants in NEK8 are known to be pathogenic (PMID: 23418306, 26967905).

Literature cited by the submitters: PubMed 16199547; PubMed 23418306; PubMed 26967905.

NM_178170.3(NEK8):c.889+2del

Gene: NEK8 (NIMA related kinase 8; plus strand). Cytogenetic location: 17q11.2.
Variant type: Deletion.
Coding change: c.889+2del on transcript NM_178170.3 (MANE Select); the canonical splice donor site of the intron after coding-DNA position 889, one base deleted (T; older notation c.889+2delT).
Molecular consequence: splice donor variant.
Genome position (GRCh38, 1-based): chr17:28,737,738, T deleted. VCF-style (leftmost placement, unchanged base first): chr17-28737737-GT-G. GRCh37 (hg19) VCF-style: chr17-27064755-GT-G.
Identifiers: ClinVar variation 539141 (VCV000539141.6), dbSNP rs1555564214, ClinGen allele CA658798741.